The following is an entry in ClinVar:

ClinVar aggregate classification (germline): Uncertain significance (1 of 4 stars; one submission).

Conditions:
Developmental and epileptic encephalopathy 94 (DEE94). Also called: CHD2-Related Neurodevelopmental Disorders; Epileptic encephalopathy, childhood-onset. Identifiers: Orphanet 1942, Orphanet 2382, MedGen C3809278, MONDO:0014150, OMIM 615369.

Allele frequency attached by ClinVar (database versions not stated): gnomAD exomes below 0.00001 and 0.00001; TOPMed 0.00001.
gnomAD v4.1: 2 of 1,614,168 alleles (0.00012%); highest among the groups gnomAD compares: Admixed American, 0.0033%; no homozygotes.

Submission:

Labcorp Genetics (formerly Invitae), Labcorp
Classification: Uncertain significance for Developmental and epileptic encephalopathy 94. Last evaluated: 2025-03-23. Review status: criteria provided, single submitter. Criteria: Invitae Variant Classification Sherloc (09022015). Collection method: clinical testing. Allele origin: germline.
Comment: This sequence change replaces asparagine, which is neutral and polar, with histidine, which is basic and polar, at codon 1654 of the CHD2 protein (p.Asn1654His). This variant is present in population databases (no rsID available, gnomAD 0.006%). This variant has not been reported in the literature in individuals affected with CHD2-related conditions. ClinVar contains an entry for this variant (Variation ID: 1010645). Invitae Evidence Modeling of protein sequence and biophysical properties (such as structural, functional, and spatial information, amino acid conservation, physicochemical variation, residue mobility, and thermodynamic stability) indicates that this missense variant is not expected to disrupt CHD2 protein function with a negative predictive value of 95%. In summary, the available evidence is currently insufficient to determine the role of this variant in disease. Therefore, it has been classified as a Variant of Uncertain Significance.

NM_001271.4(CHD2):c.4960A>C (p.Asn1654His)

Gene: CHD2 (chromodomain helicase DNA binding protein 2; plus strand). Cytogenetic location: 15q26.1.
Variant type: single nucleotide variant.
Coding change: c.4960A>C on transcript NM_001271.4 (MANE Select); coding-DNA position 4960, A replaced by C.
Protein change: p.Asn1654His; replaces asparagine 1654 with histidine.
Molecular consequence: missense variant.
Genome position (GRCh38, 1-based): chr15:93,020,065, A>C. VCF-style: chr15-93020065-A-C. GRCh37 (hg19) VCF-style: chr15-93563295-A-C.
Other names: short protein forms N1654H.
Identifiers: ClinVar variation 1010645 (VCV001010645.9), dbSNP rs1437890850, ClinGen allele CA393907554.